The following is an entry in ClinVar:

ClinVar aggregate classification (germline): Conflicting classifications of pathogenicity. Review status: criteria provided, conflicting classifications (1 of 4 stars). 4 submissions from 4 submitters: Uncertain significance (2); Likely benign (1). 1 of the submissions does not count toward it. Last evaluated 2025-08-31.

Conditions:
Hereditary cancer-predisposing syndrome. Also called: Tumor predisposition; Neoplastic Syndromes, Hereditary; Hereditary Cancer Syndrome; Hereditary neoplastic syndrome. Identifiers: Orphanet 140162, MedGen C0027672, MeSH D009386, MONDO:0015356.
Ataxia-telangiectasia syndrome (AT). Also called: Ataxia-telangiectasia; Ataxia-telangiectasia, complementation group D; AT, COMPLEMENTATION GROUP C; LOUIS-BAR SYNDROME; Cerebello-oculocutaneous telangiectasia; Immunodeficiency with ataxia telangiectasia. Identifiers: Orphanet 100, MedGen C0004135, MONDO:0008840, OMIM 208900.

Allele frequency attached by ClinVar (database versions not stated): TOPMed below 0.00001.
gnomAD v4.1: 1 of 1,613,588 alleles (0.000062%); highest among the groups gnomAD compares: East Asian, 0.0022%; no homozygotes.

Submissions (4):

Labcorp Genetics (formerly Invitae), Labcorp
Classification: Uncertain significance for Ataxia-telangiectasia syndrome. Last evaluated: 2025-08-31. Review status: criteria provided, single submitter. Criteria: Invitae Variant Classification Sherloc (09022015). Collection method: clinical testing. Allele origin: germline.
Comment: This sequence change replaces histidine, which is basic and polar, with glutamine, which is neutral and polar, at codon 1876 of the ATM protein (p.His1876Gln). This variant is not present in population databases (gnomAD no frequency). This variant has not been reported in the literature in individuals affected with ATM-related conditions. ClinVar contains an entry for this variant (Variation ID: 490617). Invitae Evidence Modeling of protein sequence and biophysical properties (such as structural, functional, and spatial information, amino acid conservation, physicochemical variation, residue mobility, and thermodynamic stability) indicates that this missense variant is not expected to disrupt ATM protein function with a negative predictive value of 95%. In summary, the available evidence is currently insufficient to determine the role of this variant in disease. Therefore, it has been classified as a Variant of Uncertain Significance.

Ambry Genetics
Classification: Likely benign for Hereditary cancer-predisposing syndrome. Last evaluated: 2024-04-30. Review status: criteria provided, single submitter. Criteria: Ambry Variant Classification Scheme 2023. Collection method: clinical testing. Allele origin: germline.

Color Diagnostics, LLC DBA Color Health
Classification: Uncertain significance for Hereditary cancer-predisposing syndrome. Last evaluated: 2024-03-07. Review status: criteria provided, single submitter. Criteria: ACMG Guidelines, 2015. Collection method: clinical testing. Allele origin: germline.
Comment: This missense variant replaces histidine with glutamine at codon 1876 of the ATM protein. Computational prediction suggests that this variant may not impact protein structure and function (internally defined REVEL score threshold <= 0.5, PMID: 27666373). To our knowledge, functional studies have not been reported for this variant. This variant has not been reported in individuals affected with hereditary cancer in the literature. This variant has not been identified in the general population by the Genome Aggregation Database (gnomAD). The available evidence is insufficient to determine the role of this variant in disease conclusively. Therefore, this variant is classified as a Variant of Uncertain Significance.

Natera, Inc.
Classification: Uncertain significance for Ataxia-telangiectasia. Last evaluated: 2020-07-22. Review status: no assertion criteria provided. Collection method: clinical testing. Allele origin: germline. Not counted in ClinVar's aggregate classification.

NM_000051.4(ATM):c.5628C>A (p.His1876Gln)

Gene: ATM (ATM serine/threonine kinase; plus strand). Cytogenetic location: 11q22.3.
Variant type: single nucleotide variant.
Coding change: c.5628C>A on transcript NM_000051.4 (MANE Select); coding-DNA position 5628, C replaced by A.
Protein change: p.His1876Gln; replaces histidine 1876 with glutamine.
Molecular consequence: missense variant.
Genome position (GRCh38, 1-based): chr11:108,304,806, C>A. VCF-style: chr11-108304806-C-A. GRCh37 (hg19) VCF-style: chr11-108175533-C-A.
Other names: c.5628C>A, p.His1876Gln (NM_001351834.2); short protein forms H1876Q.
Identifiers: ClinVar variation 490617 (VCV000490617.19), dbSNP rs1237700879, ClinGen allele CA382546372.